The following is an entry in ClinVar:

NM_015378.4(VPS13D):c.4942C>T (p.Gln1648Ter)

Gene: VPS13D (vacuolar protein sorting 13 homolog D; plus strand). Cytogenetic location: 1p36.22.
Variant type: single nucleotide variant.
Coding change: c.4942C>T on transcript NM_015378.4 (MANE Select); coding-DNA position 4942, C replaced by T.
Protein change: p.Gln1648Ter; replaces glutamine 1648 with a stop codon.
Molecular consequence: nonsense.
Genome position (GRCh38, 1-based): chr1:12,283,044, C>T. VCF-style: chr1-12283044-C-T. GRCh37 (hg19) VCF-style: chr1-12343101-C-T.
Other names: c.4942C>T, p.Gln1648Ter (NM_018156.4); short protein forms Q1648*.
Identifiers: ClinVar variation 3346937 (VCV003346937.1).

ClinVar aggregate classification (germline): Likely pathogenic (0 of 4 stars; one submission).

Conditions:
VPS13D-related disorder. Also called: VPS13D-related condition.

Submission:

PreventionGenetics, part of Exact Sciences
Classification: Likely pathogenic for VPS13D-related condition. Last evaluated: 2024-07-18. Review status: no assertion criteria provided. Collection method: clinical testing. Allele origin: germline.
Comment: The VPS13D c.4942C>T variant is predicted to result in premature protein termination (p.Gln1648*). To our knowledge, this variant has not been reported in the literature or in a large population database, indicating this variant is rare. Nonsense variants in VPS13D are expected to be pathogenic. This variant is interpreted as likely pathogenic.